The following is an entry in ClinVar:

ClinVar aggregate classification (germline): Benign. Review status: no assertion criteria provided (0 of 4 stars). 2 submissions from 1 submitter: Benign (1). 1 of the submissions does not count toward it. Last evaluated 2013-07-01.

Submissions (2):

ISCA site 4
Classification: Benign. Last evaluated: 2013-07-01. Review status: no assertion criteria provided. Collection method: clinical testing. Allele origin: unknown. Affected: yes. Observed: 17 variant alleles. Clinical features observed: Autism (HP:0000717), Developmental delay AND/OR other significant developmental or morphological phenotypes, Focal seizures with impairment of consciousness or awareness (HP:0002384), Global developmental delay (HP:0001263), Intellectual disability (HP:0001249), Arthrogryposis multiplex congenita (HP:0001390), Abnormality of the diaphragm (HP:0000775), Split hand (HP:0001171), Short stature (HP:0004322), Microcephaly (HP:0000252), High palate (HP:0000156), Abnormality of cardiac morphology (HP:0001627), and 2 more.

ISCA site 4
Classification: Benign. Last evaluated: 2011-08-12. Review status: flagged submission. Criteria: Kaminsky et al. (Genet Med. 2011). Collection method: clinical testing. Allele origin: unknown. Affected: yes. Observed: 11 variant alleles. Clinical features observed: Abnormality of cardiac morphology (HP:0001627), Abnormal facial shape (HP:0001999), Seizure (HP:0001250), Autism (HP:0000717), Developmental delay AND/OR other significant developmental or morphological phenotypes, Global developmental delay (HP:0001263), Microcephaly (HP:0000252), Abnormality of neutrophils (HP:0001874). Not counted in ClinVar's aggregate classification.
Comment: Copy number variation identified through the course of routine clinical cytogenomic testing in postnatal populations. Clinical assertions have been curated as described in Kaminsky et al. 2011.
ClinVar note: Reason: This record appears to be redundant with a more recent record from the same submitter.
ClinVar note: Notes: SCV000077614 appears to be redundant with SCV000173048.

GRCh38/hg38 5q13.2(chr5:69942850-71291191)x1

Genes: GTF2H2 (general transcription factor IIH subunit 2; minus strand), NAIP (NLR family apoptosis inhibitory protein), SERF1A (small EDRK-rich factor 1A), SERF1B (small EDRK-rich factor 1B), SMN1 (survival of motor neuron 1, telomeric) and 5 more. Cytogenetic location: 5q13.2.
Variant type: copy number loss.
Change: copy number 1 (one copy instead of two) of chr5:69,942,850-71,291,191 (1.35 Mb, GRCh38 coordinates, 1-based), cytogenetic band 5q13.2.
Identifiers: ClinVar variation 32259 (VCV000032259.3).